The following is an entry in ClinVar:

ClinVar aggregate classification (germline): Uncertain significance. Review status: criteria provided, multiple submitters, no conflicts (2 of 4 stars). 2 submissions from 2 submitters: Uncertain significance (2). Last evaluated 2024-08-21.

Conditions:
Primary ciliary dyskinesia. Also called: Ciliary dyskinesia. Identifiers: Orphanet 244, MedGen C0008780, MONDO:0016575, HP:0012265.
Inborn genetic diseases. Identifiers: MedGen C0950123, MeSH D030342.

Allele frequency attached by ClinVar (database versions not stated): gnomAD exomes 0.00002 and 0.00006; gnomAD 0.00003 and 0.00004.
gnomAD v4.1: 95 of 1,612,788 alleles (0.0059%); highest among the groups gnomAD compares: Non-Finnish European, 0.0071%; no homozygotes.

Submissions (2):

Ambry Genetics
Classification: Uncertain significance for Inborn genetic diseases. Last evaluated: 2024-08-21. Review status: criteria provided, single submitter. Criteria: Ambry Variant Classification Scheme 2023. Collection method: clinical testing. Allele origin: germline.

Labcorp Genetics (formerly Invitae), Labcorp
Classification: Uncertain significance for Primary ciliary dyskinesia. Last evaluated: 2021-08-31. Review status: criteria provided, single submitter. Criteria: Invitae Variant Classification Sherloc (09022015). Collection method: clinical testing. Allele origin: germline.
Comment: This sequence change replaces tyrosine with cysteine at codon 309 of the DRC1 protein (p.Tyr309Cys). The tyrosine residue is moderately conserved and there is a large physicochemical difference between tyrosine and cysteine. This variant is not present in population databases (ExAC no frequency). This variant has not been reported in the literature in individuals affected with DRC1-related conditions. Algorithms developed to predict the effect of missense changes on protein structure and function (SIFT, PolyPhen-2, Align-GVGD) all suggest that this variant is likely to be tolerated. In summary, the available evidence is currently insufficient to determine the role of this variant in disease. Therefore, it has been classified as a Variant of Uncertain Significance.

NM_145038.5(DRC1):c.926A>G (p.Tyr309Cys)

Gene: DRC1 (dynein regulatory complex subunit 1; plus strand). Cytogenetic location: 2p23.3.
Variant type: single nucleotide variant.
Coding change: c.926A>G on transcript NM_145038.5 (MANE Select); coding-DNA position 926, A replaced by G.
Protein change: p.Tyr309Cys; replaces tyrosine 309 with cysteine.
Molecular consequence: missense variant.
Genome position (GRCh38, 1-based): chr2:26,440,415, A>G. VCF-style: chr2-26440415-A-G. GRCh37 (hg19) VCF-style: chr2-26663283-A-G.
Other names: c.926A>G (NM_145038.2); short protein forms Y309C.
Identifiers: ClinVar variation 1009141 (VCV001009141.7), dbSNP rs1395219877, ClinGen allele CA346106474.
Genomic context (GRCh38, chr2:26,440,415, plus strand): 5'-ATATATAGTTTTTTTAACTTTAGATTCTTGAGCAGCAGCTTCAGCAGAGGAAAGCAATTT[A>G]TCAGCTAAACCAAGAGAAATTAGAGTACAACTTGCAGGTGCTGAAGAAGAGAGATGAAGA-3'
Protein context (NP_659475.2, residues 299-319): EQQLQQRKAI[Tyr309Cys]QLNQEKLEYN